The following is an entry in ClinVar:

ClinVar aggregate classification (germline): Uncertain significance (1 of 4 stars; one submission).

Conditions:
Supravalvar aortic stenosis (SVAS). Also called: Supravalvar aortic stenosis, Eisenberg type. Identifiers: Orphanet 3193, MedGen C0003499, MONDO:0008504, OMIM 185500, HP:0004381.

Submission:

Labcorp Genetics (formerly Invitae), Labcorp
Classification: Uncertain significance for Supravalvar aortic stenosis. Last evaluated: 2024-03-15. Review status: criteria provided, single submitter. Criteria: Invitae Variant Classification Sherloc (09022015). Collection method: clinical testing. Allele origin: germline.
Comment: This variant, c.2071_2088dup, results in the insertion of 6 amino acid(s) of theELN protein (p.Ala691_Ala696dup), but otherwise preserves the integrity of the reading frame. This variant is not present in population databases (gnomAD no frequency). This variant has not been reported in the literature in individuals affected with ELN-related conditions. ClinVar contains an entry for this variant (Variation ID: 1447944). Experimental studies and prediction algorithms are not available or were not evaluated, and the functional significance of this variant is currently unknown. In summary, the available evidence is currently insufficient to determine the role of this variant in disease. Therefore, it has been classified as a Variant of Uncertain Significance.

NM_000501.4(ELN):c.1885_1902dup (p.Ala629_Ala634dup)

Gene: ELN (elastin; plus strand). Cytogenetic location: 7q11.23.
Variant type: Duplication.
Coding change: c.1885_1902dup on transcript NM_000501.4 (MANE Select); coding-DNA positions 1885 to 1902, 18 bases duplicated (GCAGCCAAAGCTGCTGCC).
Protein change: p.Ala629_Ala634dup.
Molecular consequence: inframe insertion.
Genome position (GRCh38, 1-based): chr7:74,063,336-74,063,353, GCAGCCAAAGCTGCTGCC duplicated; duplicating any 18 consecutive bases within chr7:74,063,330-74,063,353 gives the same sequence; the c. name uses the placement nearest the transcript's 3' end. VCF-style (leftmost placement, unchanged base first): chr7-74063329-C-CGCTGCCGCAGCCAAAGCT. GRCh37 (hg19) VCF-style: chr7-73477659-C-CGCTGCCGCAGCCAAAGCT.
Other names: c.1798_1815dup, p.Ala600_Ala605dup (NM_001081752.3); c.1843_1860dup, p.Ala615_Ala620dup (NM_001081753.3); c.1900_1917dup, p.Ala634_Ala639dup (NM_001081754.3); c.1828_1845dup, p.Ala610_Ala615dup (NM_001081755.3); c.1885_1902dup, p.Ala629_Ala634dup (NM_001278912.2); c.1642_1659dup, p.Ala548_Ala553dup (NM_001278913.2); c.1813_1830dup, p.Ala605_Ala610dup (NM_001278914.2); c.1903_1920dup, p.Ala635_Ala640dup (NM_001278915.2); and 4 more.
Identifiers: ClinVar variation 1447944 (VCV001447944.6), dbSNP rs1337161292, ClinGen allele CA2573142300.